The following is an entry in ClinVar:

ClinVar aggregate classification (germline): Benign/Likely benign. Review status: criteria provided, multiple submitters, no conflicts (2 of 4 stars). 7 submissions from 7 submitters: Benign (4); Likely benign (2). 1 of the submissions does not count toward it. Last evaluated 2025-12-17.

Conditions:
GLIS3-related disorder. Also called: GLIS3-related condition.
Transitory neonatal diabetes mellitus. Also called: Transient neonatal diabetes mellitus. Identifiers: MedGen C0342273, MONDO:0020525, HP:0008255.
Neonatal diabetes mellitus with congenital hypothyroidism. Also called: NDH SYNDROME. Identifiers: Orphanet 79118, MedGen C1857775, MONDO:0012436, OMIM 610199.

Allele frequency attached by ClinVar (database versions not stated): 1000 Genomes Project 30x 0.00281; 1000 Genomes Project 0.00319; gnomAD exomes 0.00059; ESP Exome Variant Server 0.00149; TOPMed 0.00254.
gnomAD v4.1: 744 of 1,583,948 alleles (0.047%); highest among the groups gnomAD compares: African/African-American, 0.86%; 5 homozygotes.

Submissions (7):

Labcorp Genetics (formerly Invitae), Labcorp
Classification: Benign. Last evaluated: 2025-12-17. Review status: criteria provided, single submitter. Criteria: Invitae Variant Classification Sherloc (09022015). Collection method: clinical testing. Allele origin: germline.

Blueprint Genetics
Classification: Likely benign. Last evaluated: 2024-11-12. Review status: criteria provided, single submitter. Criteria: ACMG Guidelines, 2015. Collection method: clinical testing. Allele origin: germline.

Fulgent Genetics
Classification: Likely benign for Neonatal diabetes mellitus with congenital hypothyroidism. Last evaluated: 2022-04-27. Review status: criteria provided, single submitter. Criteria: ACMG Guidelines, 2015. Collection method: clinical testing. Allele origin: unknown.

Illumina Laboratory Services, Illumina
Classification: Benign for Neonatal diabetes mellitus with congenital hypothyroidism. Last evaluated: 2018-01-13. Review status: criteria provided, single submitter. Criteria: ICSL Variant Classification Criteria 13 December 2019. Collection method: clinical testing. Allele origin: germline.
Comment: This variant was observed in the ICSL laboratory as part of a predisposition screen in an ostensibly healthy population. It had not been previously curated by ICSL or reported in the Human Gene Mutation Database (HGMD: prior to June 1st, 2018), and was therefore a candidate for classification through an automated scoring system. Utilizing variant allele frequency, disease prevalence and penetrance estimates, and inheritance mode, an automated score was calculated to assess if this variant is too frequent to cause the disease. Based on the score and internal cut-off values, a variant classified as benign is not then subjected to further curation. The score for this variant resulted in a classification of benign for this disease.

Breakthrough Genomics
Classification: Benign. Review status: criteria provided, single submitter. Criteria: ACMG Guidelines, 2015. Collection method: not provided. Allele origin: germline. Inheritance: Autosomal recessive inheritance. Affected: yes.

Clinical Genomics, Uppaluri K&H Personalized Medicine Clinic
Classification: Benign for Transitory neonatal diabetes mellitus. Review status: criteria provided, single submitter. Criteria: K & H Uppaluri Personalized Medicine Clinic Variant Classification & Assertion Criteria_Updated V.1. Collection method: research. Allele origin: unknown.
Comment: Potent mutations in GLIS3 predisposes to neonatal diabetes mellitus with an extra pancreatic manifestation of hypothyroidism. It also predisposes to early onset diabetes in adults.However no sufficient evidence is found to ascertain the role of this particular variant rs377419083, yet.

PreventionGenetics, part of Exact Sciences
Classification: Benign for GLIS3-related condition. Last evaluated: 2023-12-27. Review status: no assertion criteria provided. Collection method: clinical testing. Allele origin: germline. Not counted in ClinVar's aggregate classification.
Comment: This variant is classified as benign based on ACMG/AMP sequence variant interpretation guidelines (Richards et al. 2015 PMID: 25741868, with internal and published modifications).

Literature cited by the submitters: PubMed 32693112 (cited by Clinical Genomics, Uppaluri K&H Personalized Medicine Clinic); PubMed 27899417 (cited by Clinical Genomics, Uppaluri K&H Personalized Medicine Clinic); PubMed 29992946 (cited by Clinical Genomics, Uppaluri K&H Personalized Medicine Clinic); PubMed 35394098 (cited by Clinical Genomics, Uppaluri K&H Personalized Medicine Clinic); PubMed 29146476 (cited by Clinical Genomics, Uppaluri K&H Personalized Medicine Clinic).

NM_001042413.2(GLIS3):c.1260C>T (p.Pro420=)

Gene: GLIS3 (GLIS family zinc finger 3; minus strand). Cytogenetic location: 9p24.2.
Variant type: single nucleotide variant.
Coding change: c.1260C>T on transcript NM_001042413.2 (MANE Select); coding-DNA position 1260, C replaced by T.
Protein change: p.Pro420=; no amino-acid change (proline 420 retained).
Molecular consequence: synonymous variant.
Genome position (GRCh38, 1-based): chr9:4,118,218, G>A on the plus strand (C>T on the coding strand, the complement: GLIS3 is on the minus strand). VCF-style: chr9-4118218-G-A. GRCh37 (hg19) VCF-style: chr9-4118218-G-A.
Other names: c.795C>T, p.Pro265= (NM_152629.4).
Identifiers: ClinVar variation 366981 (VCV000366981.20), dbSNP rs377419083, ClinGen allele CA4968259.